The following is an entry in ClinVar:

NM_004656.4(BAP1):c.188C>G (p.Ser63Cys)

Gene: BAP1 (BRCA1 associated deubiquitinase 1; minus strand). Cytogenetic location: 3p21.1.
Variant type: single nucleotide variant.
Coding change: c.188C>G on transcript NM_004656.4 (MANE Select); coding-DNA position 188, C replaced by G.
Protein change: p.Ser63Cys; replaces serine 63 with cysteine.
Molecular consequence: missense variant.
Genome position (GRCh38, 1-based): chr3:52,408,541, G>C on the plus strand (C>G on the coding strand, the complement: BAP1 is on the minus strand). VCF-style: chr3-52408541-G-C. GRCh37 (hg19) VCF-style: chr3-52442557-G-C.
Other names: c.188C>G (LRG_529t1); short protein forms S63C.
Identifiers: ClinVar variation 480816 (VCV000480816.8), dbSNP rs747311942, ClinGen allele CA353113372.
Genomic context (GRCh38, chr3:52,408,541, plus strand): 5'-GCAAAGAACATGTTATTCACAATATCATCATCAATCACGGACGTATCATCCACCAAGGTA[G>C]AGACCTTTCGCCGGGACCGGCGCTCTTCGATCCATTTGAACAGGAAGATAAATCCATATA-3'
Protein context (NP_004647.1, residues 53-73): IEERRSRRKV[Ser63Cys]TLVDDTSVID

ClinVar aggregate classification (germline): Uncertain significance. Review status: criteria provided, multiple submitters, no conflicts (2 of 4 stars). 2 submissions from 2 submitters: Uncertain significance (2). Last evaluated 2024-02-18.
ClinVar aggregate classification (oncogenicity): Uncertain significance (0 of 4 stars; one submission).

Conditions:
Hereditary cancer-predisposing syndrome. Also called: Hereditary Cancer Syndrome; Neoplastic Syndromes, Hereditary; Tumor predisposition; Hereditary neoplastic syndrome. Identifiers: Orphanet 140162, MedGen C0027672, MeSH D009386, MONDO:0015356.
BAP1-related tumor predisposition syndrome (TPDS1). Also called: Tumor susceptibility linked to germline BAP1 mutations; COMMON Syndrome; TUMOR PREDISPOSITION SYNDROME 1; BAP1 tumor predisposition syndrome. Identifiers: Orphanet 289539, MedGen C3280492, MONDO:0013692, OMIM 614327.
Adenoid cystic carcinoma. Also called: Adenocystic carcinoma. Identifiers: MedGen C0010606, MeSH D003528, MONDO:0004971.

Submissions (3):

Labcorp Genetics (formerly Invitae), Labcorp
Classification: Uncertain significance for BAP1-related tumor predisposition syndrome. Last evaluated: 2024-02-18. Review status: criteria provided, single submitter. Criteria: Invitae Variant Classification Sherloc (09022015). Collection method: clinical testing. Allele origin: germline.
Comment: This sequence change replaces serine, which is neutral and polar, with cysteine, which is neutral and slightly polar, at codon 63 of the BAP1 protein (p.Ser63Cys). This variant is not present in population databases (gnomAD no frequency). This variant has not been reported in the literature in individuals affected with BAP1-related conditions. ClinVar contains an entry for this variant (Variation ID: 480816). Advanced modeling of protein sequence and biophysical properties (such as structural, functional, and spatial information, amino acid conservation, physicochemical variation, residue mobility, and thermodynamic stability) performed at Invitae indicates that this missense variant is not expected to disrupt BAP1 protein function with a negative predictive value of 80%. Algorithms developed to predict the effect of sequence changes on RNA splicing suggest that this variant may disrupt the consensus splice site. In summary, the available evidence is currently insufficient to determine the role of this variant in disease. Therefore, it has been classified as a Variant of Uncertain Significance.

Ambry Genetics
Classification: Uncertain significance for Hereditary cancer-predisposing syndrome. Last evaluated: 2016-01-27. Review status: criteria provided, single submitter. Criteria: Ambry Variant Classification Scheme 2023. Collection method: clinical testing. Allele origin: germline.
Comment: The p.S63C variant (also known as c.188C>G), located in coding exon 4 of the BAP1 gene, results from a C to G substitution at nucleotide position 188. The serine at codon 63 is replaced by cysteine, an amino acid with dissimilar properties. In one study, this alteration was observed as a somatic alteration in a malignant pleural mesothelioma, and was demonstrated to have an increase in ubiquitin cleavage compared to wild-type BAP1 (Bott M et al. Nat. Genet. 2011 Jul;43(7):668-72). Another study found that this alteration retains its ability to be recruited to ionizing radiation induced DNA damage, and described this alteration as conferring a survival advantage (Ismail IH et al. Cancer Res. 2014 Aug;74(16):4282-94). This variant was not reported in population based cohorts in the following databases: Database of Single Nucleotide Polymorphisms (dbSNP), NHLBI Exome Sequencing Project (ESP), and 1000 Genomes Project. In the ESP, this variant was not observed in 6502 samples (13004 alleles) with coverage at this position. To date, this alteration has been detected with an allele frequency of approximately 0.02% (greater than 5000 alleles tested) in our clinical cohort. This amino acid position is well conserved in available vertebrate species. In addition, this alteration is predicted to be possibly damaging yet tolerated by PolyPhen and SIFT in silico analyses, respectively. Since supporting evidence is limited at this time, the clinical significance of this alteration remains unclear.

Genome Sciences Centre, British Columbia Cancer Agency
Classification: Uncertain significance for Adenoid cystic carcinoma. Last evaluated: 2024-11-13. Review status: no assertion criteria provided. Collection method: research. Allele origin: somatic. Affected: yes. Observed: 1 variant allele.

Literature cited by the submitters: PubMed 21642991 (cited by Ambry Genetics); PubMed 24894717 (cited by Ambry Genetics); PubMed 26166446 (cited by Ambry Genetics); PubMed 26452128 (cited by Ambry Genetics).